The following is an entry in ClinVar:

NM_016188.5(ACTL6B):c.11_12delinsAG (p.Gly4Glu)

Gene: ACTL6B (actin like 6B; minus strand). Cytogenetic location: 7q22.1.
Variant type: Indel.
Coding change: c.11_12delinsAG on transcript NM_016188.5 (MANE Select); coding-DNA positions 11 to 12, GC replaced by AG.
Protein change: p.Gly4Glu; replaces glycine 4 with glutamic acid.
Molecular consequence: missense variant. On other transcripts: non-coding transcript variant (1).
Genome position (GRCh38, 1-based): chr7:100,656,343-100,656,344, GC replaced by CT on the plus strand (GC replaced by AG on the coding strand, the reverse complement: ACTL6B is on the minus strand). VCF-style: chr7-100656343-GC-CT. GRCh37 (hg19) VCF-style: chr7-100253966-GC-CT.
Other names: short protein forms G4E.
Identifiers: ClinVar variation 2501419 (VCV002501419.1), dbSNP rs2486173157, ClinGen allele CA2580615954.

ClinVar aggregate classification (germline): Uncertain significance (1 of 4 stars; one submission).

Submission:

GeneDx
Classification: Uncertain significance. Last evaluated: 2022-11-05. Review status: criteria provided, single submitter. Criteria: GeneDx Variant Classification Process June 2021. Collection method: clinical testing. Allele origin: germline. Affected: yes.
Comment: Not observed at significant frequency in large population cohorts (gnomAD); In silico analysis supports a deleterious effect on protein structure/function; Has not been previously published as pathogenic or benign to our knowledge